The following is an entry in ClinVar:

ClinVar aggregate classification (germline): Uncertain significance (1 of 4 stars; one submission).

Conditions:
ALG1-congenital disorder of glycosylation. Also called: CONGENITAL DISORDER OF GLYCOSYLATION, TYPE Ik; ALG1-CDG; CDG Ik. Identifiers: Orphanet 79327, MedGen C2931005, MONDO:0012052, OMIM 608540.

Submission:

Labcorp Genetics (formerly Invitae), Labcorp
Classification: Uncertain significance for ALG1-congenital disorder of glycosylation. Last evaluated: 2022-02-02. Review status: criteria provided, single submitter. Criteria: Invitae Variant Classification Sherloc (09022015). Collection method: clinical testing. Allele origin: germline.
Comment: In summary, the available evidence is currently insufficient to determine the role of this variant in disease. Therefore, it has been classified as a Variant of Uncertain Significance. Advanced modeling of protein sequence and biophysical properties (such as structural, functional, and spatial information, amino acid conservation, physicochemical variation, residue mobility, and thermodynamic stability) performed at Invitae indicates that this missense variant is expected to disrupt ALG1 protein function. This variant has not been reported in the literature in individuals affected with ALG1-related conditions. This variant is not present in population databases (gnomAD no frequency). This sequence change replaces proline, which is neutral and non-polar, with alanine, which is neutral and non-polar, at codon 324 of the ALG1 protein (p.Pro324Ala).

NM_019109.5(ALG1):c.970C>G (p.Pro324Ala)

Gene: ALG1 (ALG1 chitobiosyldiphosphodolichol beta-mannosyltransferase; plus strand). Cytogenetic location: 16p13.3.
Variant type: single nucleotide variant.
Coding change: c.970C>G on transcript NM_019109.5 (MANE Select); coding-DNA position 970, C replaced by G.
Protein change: p.Pro324Ala; replaces proline 324 with alanine.
Molecular consequence: missense variant.
Genome position (GRCh38, 1-based): chr16:5,080,954, C>G. VCF-style: chr16-5080954-C-G. GRCh37 (hg19) VCF-style: chr16-5130955-C-G.
Other names: c.637C>G, p.Pro213Ala (NM_001330504.2); short protein forms P213A, P324A.
Identifiers: ClinVar variation 2092176 (VCV002092176.4), dbSNP rs1957006198, ClinGen allele CA394672556.
Genomic context (GRCh38, chr16:5,080,954, plus strand): 5'-CGTGGCAGGGACAGAGATGGGTCCATGGCAGTGTCTGCTCTTCTCTGTGAAGGCAAAGGG[C>G]CTCTGAGGGAGTATTATAGCCGCCTCATCCACCAGAAGCACTTCCAGCACATCCAGGTCT-3'
Protein context (NP_061982.3, residues 314-334): SLVCVITGKG[Pro324Ala]LREYYSRLIH